The following is an entry in ClinVar:

ClinVar aggregate classification (germline): Likely benign. Review status: criteria provided, multiple submitters, no conflicts (2 of 4 stars). 3 submissions from 3 submitters: Likely benign (2). 1 of the submissions does not count toward it. Last evaluated 2026-02-02.

Conditions:
EPG5-related disorder. Also called: EPG5-related condition. Identifiers: MedGen CN381528.
Vici syndrome (VICIS). Identifiers: Orphanet 1493, MedGen C1855772, MONDO:0009452, OMIM 242840.

Allele frequency attached by ClinVar (database versions not stated): ExAC 0.00021; 1000 Genomes Project 0.00040; gnomAD exomes 0.00004 and 0.00018; 1000 Genomes Project 30x 0.00047; ESP Exome Variant Server 0.00059; gnomAD 0.00059 and 0.00064; TOPMed 0.00068.
gnomAD v4.1: 151 of 1,607,650 alleles (0.0094%); highest among the groups gnomAD compares: African/African-American, 0.18%; no homozygotes.

Submissions (3):

Labcorp Genetics (formerly Invitae), Labcorp
Classification: Likely benign for Vici syndrome. Last evaluated: 2026-02-02. Review status: criteria provided, single submitter. Criteria: Invitae Variant Classification Sherloc (09022015). Collection method: clinical testing. Allele origin: germline.

Breakthrough Genomics
Classification: Likely benign. Review status: criteria provided, single submitter. Criteria: ACMG Guidelines, 2015. Collection method: not provided. Allele origin: germline. Inheritance: Autosomal recessive inheritance. Affected: yes.

PreventionGenetics, part of Exact Sciences
Classification: Likely benign for EPG5-related condition. Last evaluated: 2022-04-22. Review status: no assertion criteria provided. Collection method: clinical testing. Allele origin: germline. Not counted in ClinVar's aggregate classification.
Comment: This variant is classified as likely benign based on ACMG/AMP sequence variant interpretation guidelines (Richards et al. 2015 PMID: 25741868, with internal and published modifications).

NM_020964.3(EPG5):c.2303A>G (p.Asn768Ser)

Gene: EPG5 (ectopic P-granules 5 autophagy tethering factor; minus strand). Cytogenetic location: 18q21.1.
Variant type: single nucleotide variant.
Coding change: c.2303A>G on transcript NM_020964.3 (MANE Select); coding-DNA position 2303, A replaced by G.
Protein change: p.Asn768Ser; replaces asparagine 768 with serine.
Molecular consequence: missense variant.
Genome position (GRCh38, 1-based): chr18:45,930,785, T>C on the plus strand (A>G on the coding strand, the complement: EPG5 is on the minus strand). VCF-style: chr18-45930785-T-C. GRCh37 (hg19) VCF-style: chr18-43510751-T-C.
Other names: short protein forms N768S.
Identifiers: ClinVar variation 798245 (VCV000798245.11), dbSNP rs61736031, ClinGen allele CA8949461.